The following is an entry in ClinVar:

ClinVar aggregate classification (germline): Uncertain significance (1 of 4 stars; one submission).

gnomAD v4.1: 2 of 1,614,202 alleles (0.00012%); no homozygotes.

Submission:

GeneDx
Classification: Uncertain significance. Last evaluated: 2022-05-16. Review status: criteria provided, single submitter. Criteria: GeneDx Variant Classification Process June 2021. Collection method: clinical testing. Allele origin: germline. Affected: yes.
Comment: Not observed at significant frequency in large population cohorts (gnomAD); In silico analysis supports that this missense variant does not alter protein structure/function; Has not been previously published as pathogenic or benign to our knowledge

NM_001369.3(DNAH5):c.9802G>A (p.Ala3268Thr)

Gene: DNAH5 (dynein axonemal heavy chain 5; minus strand). Cytogenetic location: 5p15.2.
Variant type: single nucleotide variant.
Coding change: c.9802G>A on transcript NM_001369.3 (MANE Select); coding-DNA position 9802, G replaced by A.
Protein change: p.Ala3268Thr; replaces alanine 3268 with threonine.
Molecular consequence: missense variant.
Genome position (GRCh38, 1-based): chr5:13,769,055, C>T on the plus strand (G>A on the coding strand, the complement: DNAH5 is on the minus strand). VCF-style: chr5-13769055-C-T. GRCh37 (hg19) VCF-style: chr5-13769164-C-T.
Other names: short protein forms A3268T.
Identifiers: ClinVar variation 1800502 (VCV001800502.1), dbSNP rs1327288599, ClinGen allele CA359201946.